The following is an entry in ClinVar:

NM_144997.7(FLCN):c.871+146G>A

Gene: FLCN (folliculin; minus strand). Cytogenetic location: 17p11.2.
Variant type: single nucleotide variant.
Coding change: c.871+146G>A on transcript NM_144997.7 (MANE Select); 146 bases into the intron after coding-DNA position 871, G replaced by A.
Molecular consequence: intron variant. On other transcripts: synonymous variant (1).
Genome position (GRCh38, 1-based): chr17:17,221,391, C>T on the plus strand (G>A on the coding strand, the complement: FLCN is on the minus strand). VCF-style: chr17-17221391-C-T. GRCh37 (hg19) VCF-style: chr17-17124705-C-T.
Other names: c.1017G>A, p.Pro339= (NM_144606.7); c.871+146G>A (NM_001353231.2, NM_001353230.2); c.925+146G>A (NM_001353229.2).
Identifiers: ClinVar variation 3042445 (VCV003042445.17), dbSNP rs200397656, ClinGen allele CA8416229.
Genomic context (GRCh38, chr17:17,221,391, plus strand): 5'-CATGGCGGTCAAGGCAAACGAGACAGGAAATCACAACAATCACAACAATCACACCGAGAT[C>T]GGAGGGTGAGCTTCCCGAAGGCTCGTTCTGGGCTGATTCAGAGCCGCGTTTCCCTCCCTC-3'

ClinVar aggregate classification (germline): Likely benign. Review status: criteria provided, single submitter (1 of 4 stars). 2 submissions from 2 submitters: Likely benign (1). 1 of the submissions does not count toward it. Last evaluated 2024-08-01.

Conditions:
FLCN-related disorder. Also called: FLCN-related condition.

Allele frequency attached by ClinVar (database versions not stated): TOPMed 0.00001; 1000 Genomes Project 0.00020; 1000 Genomes Project 30x 0.00047.

Submissions (2):

CeGaT Center for Human Genetics Tuebingen
Classification: Likely benign. Last evaluated: 2024-08-01. Review status: criteria provided, single submitter. Criteria: CeGaT Center For Human Genetics Tuebingen Variant Classification Criteria Version 2. Collection method: clinical testing. Allele origin: germline. Affected: yes. Observed: 1 variant allele.
Comment: FLCN: BP4, BP7

PreventionGenetics, part of Exact Sciences
Classification: Likely benign for FLCN-related condition. Last evaluated: 2020-01-08. Review status: no assertion criteria provided. Collection method: clinical testing. Allele origin: germline. Not counted in ClinVar's aggregate classification.
Comment: This variant is classified as likely benign based on ACMG/AMP sequence variant interpretation guidelines (Richards et al. 2015 PMID: 25741868, with internal and published modifications).